The following is an entry in ClinVar:

NM_001005373.4(LRSAM1):c.1131T>A (p.Thr377=)

Gene: LRSAM1 (leucine rich repeat and sterile alpha motif containing 1; plus strand). Cytogenetic location: 9q33.3.
Variant type: single nucleotide variant.
Coding change: c.1131T>A on transcript NM_001005373.4 (MANE Select); coding-DNA position 1131, T replaced by A.
Protein change: p.Thr377=; no amino-acid change (threonine 377 retained).
Molecular consequence: synonymous variant. On other transcripts: non-coding transcript variant (2).
Genome position (GRCh38, 1-based): chr9:127,482,992, T>A. VCF-style: chr9-127482992-T-A. GRCh37 (hg19) VCF-style: chr9-130245271-T-A.
Other names: c.1131T>A, p.Thr377= (NM_001005374.4, NM_001190723.3, NM_001384142.1 and 2 more transcripts); c.342T>A, p.Thr114= (NM_001384144.1).
Identifiers: ClinVar variation 698559 (VCV000698559.13), dbSNP rs141912153, ClinGen allele CA5246850.
Genomic context (GRCh38, chr9:127,482,992, plus strand): 5'-GGATGGATTTTTTTCTAGAATAAGAATGGAACAGTTGATGTCCATAACCCAGGAGGAGAC[T>A]GAGAGCCTGCGGCGACGTGACGTTGCCTGTGAGTTTTGGGATGGGGAGCTTGTGAGCACG-3'
Protein context (NP_001005373.1, residues 367-387): EQLMSITQEE[Thr377=]ESLRRRDVAS

ClinVar aggregate classification (germline): Benign. Review status: criteria provided, single submitter (1 of 4 stars). 2 submissions from 2 submitters: Benign (1). 1 of the submissions does not count toward it. Last evaluated 2025-10-30.

Conditions:
LRSAM1-related disorder. Also called: LRSAM1-related condition.
Charcot-Marie-Tooth disease axonal type 2P. Also called: Charcot-Marie-Tooth Neuropathy Type 2G; CHARCOT-MARIE-TOOTH NEUROPATHY, TYPE 2P; CHARCOT-MARIE-TOOTH DISEASE, AXONAL, TYPE 2G; CMT 2G. Identifiers: Orphanet 300319, Orphanet 99941, MedGen C3280797, MONDO:0013753, OMIM 614436.

Allele frequency attached by ClinVar (database versions not stated): 1000 Genomes Project 0.00060; ExAC 0.00068; gnomAD 0.00074 and 0.00078; TOPMed 0.00080; ESP Exome Variant Server 0.00092; 1000 Genomes Project 30x 0.00094.
gnomAD v4.1: 205 of 1,585,916 alleles (0.013%); highest among the groups gnomAD compares: African/African-American, 0.27%; no homozygotes.

Submissions (2):

Labcorp Genetics (formerly Invitae), Labcorp
Classification: Benign for Charcot-Marie-Tooth disease axonal type 2P. Last evaluated: 2025-10-30. Review status: criteria provided, single submitter. Criteria: Invitae Variant Classification Sherloc (09022015). Collection method: clinical testing. Allele origin: germline.

PreventionGenetics, part of Exact Sciences
Classification: Likely benign for LRSAM1-related condition. Last evaluated: 2020-01-20. Review status: no assertion criteria provided. Collection method: clinical testing. Allele origin: germline. Not counted in ClinVar's aggregate classification.
Comment: This variant is classified as likely benign based on ACMG/AMP sequence variant interpretation guidelines (Richards et al. 2015 PMID: 25741868, with internal and published modifications).